The following is an entry in ClinVar:

NM_001394062.1(MACF1):c.17792G>A (p.Arg5931Lys)

Gene: MACF1 (microtubule actin crosslinking factor 1; plus strand). Cytogenetic location: 1p34.3.
Variant type: single nucleotide variant.
Coding change: c.17792G>A on transcript NM_001394062.1 (MANE Select); coding-DNA position 17792, G replaced by A.
Protein change: p.Arg5931Lys; replaces arginine 5931 with lysine.
Molecular consequence: missense variant.
Genome position (GRCh38, 1-based): chr1:39,435,565, G>A. VCF-style: chr1-39435565-G-A. GRCh37 (hg19) VCF-style: chr1-39901237-G-A.
Other names: c.5861G>A, p.Arg1954Lys (NM_001397473.1); c.11606G>A, p.Arg3869Lys (NM_012090.5); short protein forms R1954K, R3869K, R5931K.
Identifiers: ClinVar variation 2502804 (VCV002502804.1), dbSNP rs2523110015, ClinGen allele CA339805527.

ClinVar aggregate classification (germline): Uncertain significance (1 of 4 stars; one submission).

Submission:

GeneDx
Classification: Uncertain significance. Last evaluated: 2022-11-18. Review status: criteria provided, single submitter. Criteria: GeneDx Variant Classification Process June 2021. Collection method: clinical testing. Allele origin: germline. Affected: yes.
Comment: Not observed at significant frequency in large population cohorts (gnomAD); In silico analysis supports that this missense variant has a deleterious effect on protein structure/function; Has not been previously published as pathogenic or benign to our knowledge